The following is an entry in ClinVar:

ClinVar aggregate classification (germline): Uncertain significance. Review status: criteria provided, multiple submitters, no conflicts (2 of 4 stars). 3 submissions from 3 submitters: Uncertain significance (3). Last evaluated 2026-09-08.

Conditions:
Hereditary cancer-predisposing syndrome. Also called: Tumor predisposition; Hereditary neoplastic syndrome; Neoplastic Syndromes, Hereditary; Hereditary Cancer Syndrome. Identifiers: Orphanet 140162, MedGen C0027672, MeSH D009386, MONDO:0015356.
Gorlin syndrome. Also called: Nevoid Basal Cell Carcinoma Syndrome; Basal cell nevus syndrome. Identifiers: Orphanet 377, MedGen C0004779, MONDO:0007187.

Submissions (3):

Ambry Genetics
Classification: Uncertain significance for Hereditary cancer-predisposing syndrome. Last evaluated: 2026-09-08. Review status: criteria provided, single submitter. Criteria: Ambry Variant Classification Scheme 2023. Collection method: clinical testing. Allele origin: germline.
Comment: The p.G5S variant (also known as c.13G>A), located in coding exon 1 of the PTCH1 gene, results from a G to A substitution at nucleotide position 13. The glycine at codon 5 is replaced by serine, an amino acid with similar properties. This amino acid position is not well conserved in available vertebrate species. In addition, this alteration is predicted to be tolerated by in silico analysis. Based on the available evidence, the clinical significance of this variant remains unclear.

Labcorp Genetics (formerly Invitae), Labcorp
Classification: Uncertain significance for Gorlin syndrome. Last evaluated: 2025-11-10. Review status: criteria provided, single submitter. Criteria: Invitae Variant Classification Sherloc (09022015). Collection method: clinical testing. Allele origin: germline.
Comment: This sequence change replaces glycine, which is neutral and non-polar, with serine, which is neutral and polar, at codon 5 of the PTCH1 protein (p.Gly5Ser). This variant is not present in population databases (gnomAD no frequency). This variant has not been reported in the literature in individuals affected with PTCH1-related conditions. ClinVar contains an entry for this variant (Variation ID: 1022262). Invitae Evidence Modeling of protein sequence and biophysical properties (such as structural, functional, and spatial information, amino acid conservation, physicochemical variation, residue mobility, and thermodynamic stability) indicates that this missense variant is not expected to disrupt PTCH1 protein function with a negative predictive value of 95%. In summary, the available evidence is currently insufficient to determine the role of this variant in disease. Therefore, it has been classified as a Variant of Uncertain Significance.

CeGaT Center for Human Genetics Tuebingen
Classification: Uncertain significance. Last evaluated: 2024-10-01. Review status: criteria provided, single submitter. Criteria: CeGaT Center For Human Genetics Tuebingen Variant Classification Criteria Version 2. Collection method: clinical testing. Allele origin: germline. Affected: yes. Observed: 1 variant allele.
Comment: PTCH1: PM2, BP1

NM_000264.5(PTCH1):c.13G>A (p.Gly5Ser)

Genes: PTCH1 (patched 1; minus strand), LOC130002133 (ATAC-STARR-seq lymphoblastoid silent region 20071; plus strand). Cytogenetic location: 9q22.32.
Variant type: single nucleotide variant.
Coding change: c.13G>A on transcript NM_000264.5 (MANE Select); coding-DNA position 13, G replaced by A.
Protein change: p.Gly5Ser; replaces glycine 5 with serine.
Molecular consequence: missense variant. On other transcripts: non-coding transcript variant (1), intron variant (3).
Genome position (GRCh38, 1-based): chr9:95,508,349, C>T on the plus strand (G>A on the coding strand, the complement: PTCH1 is on the minus strand). VCF-style: chr9-95508349-C-T. GRCh37 (hg19) VCF-style: chr9-98270631-C-T.
Other names: c.13G>A (NM_000264.3); c.13G>A, p.Gly5Ser (NM_001354918.2); c.199-1750G>A (NM_001083603.3); c.4-1750G>A (NM_001083602.3, NM_001354919.2); short protein forms G5S.
Identifiers: ClinVar variation 1022262 (VCV001022262.24), dbSNP rs1843915589, ClinGen allele CA374121750.
Genomic context (GRCh38, chr9:95,508,349, plus strand): 5'-CCGGGGCACCGATACAGCCGCTGCCGCCGCCGCCGCGGTCCTGGGGCTCGGCGGCGTTAC[C>T]AGCCGAGGCCATGTTGCCGCCGCCGCCGCCGCCGCCGCGGGGACGGAGGCTTCCCGGGCG-3'
Protein context (NP_000255.2, residues 1-15): MASA[Gly5Ser]NAAEPQDRGG